The following is an entry in ClinVar:

NM_000540.3(RYR1):c.7292A>G (p.Asp2431Gly)

Gene: RYR1 (ryanodine receptor 1; plus strand). Cytogenetic location: 19q13.2.
Variant type: single nucleotide variant.
Coding change: c.7292A>G on transcript NM_000540.3 (MANE Select); coding-DNA position 7292, A replaced by G.
Protein change: p.Asp2431Gly; replaces aspartic acid 2431 with glycine.
Molecular consequence: missense variant.
Genome position (GRCh38, 1-based): chr19:38,499,985, A>G. VCF-style: chr19-38499985-A-G. GRCh37 (hg19) VCF-style: chr19-38990625-A-G.
Other names: c.7292A>G, p.Asp2431Gly (NM_001042723.2); short protein forms D2431G.
Identifiers: ClinVar variation 4847947 (VCV004847947.1).

ClinVar aggregate classification (germline): Uncertain significance (1 of 4 stars; one submission).

gnomAD v4.1: 1 of 1,614,044 alleles (0.000062%); highest among the groups gnomAD compares: Non-Finnish European, 0.000085%; no homozygotes.

Submission:

Women's Health and Genetics/Laboratory Corporation of America, LabCorp
Classification: Uncertain significance. Last evaluated: 2026-02-10. Review status: criteria provided, single submitter. Criteria: LabCorp Variant Classification Summary - May 2015. Collection method: clinical testing. Allele origin: germline.
Comment: Variant summary: RYR1 c.7292A>G (p.Asp2431Gly) results in a non-conservative amino acid change in the encoded protein sequence. Algorithms developed to predict the effect of missense changes on protein structure and function all suggest that this variant is likely to be disruptive. The variant was absent in 251320 control chromosomes. To our knowledge, no occurrence of c.7292A>G in individuals affected with RYR1-related conditions and no experimental evidence demonstrating its impact on protein function have been reported. Multiple variants located at the same codon (c.7291G>A, p.Asp2431Asn; c.7291G>T, p.Asp2431Tyr) have been classified as Pathogenic/Likely Pathogenic, supporting the critical relevance of codon 2431 to RYR1 protein function. No submitters have cited clinical-significance assessments for this variant to ClinVar. Based on the evidence outlined above, the variant was classified as VUS-possibly pathogenic.